The following is an entry in ClinVar:

ClinVar aggregate classification (germline): Uncertain significance (1 of 4 stars; one submission).

Allele frequency attached by ClinVar (database versions not stated): ExAC 0.00001; gnomAD 0.00001 and 0.00002; gnomAD exomes 0.00001 and 0.00002; TOPMed 0.00002; ESP Exome Variant Server 0.00008.
gnomAD v4.1: 19 of 1,607,826 alleles (0.0012%); highest among the groups gnomAD compares: African/African-American, 0.0067%; no homozygotes.

Submission:

Labcorp Genetics (formerly Invitae), Labcorp
Classification: Uncertain significance. Last evaluated: 2025-08-21. Review status: criteria provided, single submitter. Criteria: Invitae Variant Classification Sherloc (09022015). Collection method: clinical testing. Allele origin: germline.
Comment: This sequence change replaces arginine, which is basic and polar, with histidine, which is basic and polar, at codon 487 of the SCLT1 protein (p.Arg487His). This variant is present in population databases (rs371973931, gnomAD 0.01%). This variant has not been reported in the literature in individuals affected with SCLT1-related conditions. ClinVar contains an entry for this variant (Variation ID: 1494626). An algorithm developed to predict the effect of missense changes on protein structure and function (PolyPhen-2) suggests that this variant is likely to be disruptive. In summary, the available evidence is currently insufficient to determine the role of this variant in disease. Therefore, it has been classified as a Variant of Uncertain Significance.

NM_144643.4(SCLT1):c.1460G>A (p.Arg487His)

Gene: SCLT1 (sodium channel and clathrin linker 1; minus strand). Cytogenetic location: 4q28.2.
Variant type: single nucleotide variant.
Coding change: c.1460G>A on transcript NM_144643.4 (MANE Select); coding-DNA position 1460, G replaced by A.
Protein change: p.Arg487His; replaces arginine 487 with histidine.
Molecular consequence: missense variant.
Genome position (GRCh38, 1-based): chr4:128,943,168, C>T on the plus strand (G>A on the coding strand, the complement: SCLT1 is on the minus strand). VCF-style: chr4-128943168-C-T. GRCh37 (hg19) VCF-style: chr4-129864323-C-T.
Other names: short protein forms R487H.
Identifiers: ClinVar variation 1494626 (VCV001494626.6), dbSNP rs371973931, ClinGen allele CA3079606.